The following is an entry in ClinVar:

ClinVar aggregate classification (germline): Uncertain significance (1 of 4 stars; one submission).

Submission:

Labcorp Genetics (formerly Invitae), Labcorp
Classification: Uncertain significance. Last evaluated: 2023-05-15. Review status: criteria provided, single submitter. Criteria: Invitae Variant Classification Sherloc (09022015). Collection method: clinical testing. Allele origin: germline.
Comment: This variant is not present in population databases (gnomAD no frequency). In summary, the available evidence is currently insufficient to determine the role of this variant in disease. Therefore, it has been classified as a Variant of Uncertain Significance. Experimental studies and prediction algorithms are not available or were not evaluated, and the functional significance of this variant is currently unknown. ClinVar contains an entry for this variant (Variation ID: 2124255). This variant has not been reported in the literature in individuals affected with IL2RB-related conditions. This sequence change creates a premature translational stop signal (p.Asn361Profs*32) in the IL2RB gene. While this is not anticipated to result in nonsense mediated decay, it is expected to disrupt the last 191 amino acid(s) of the IL2RB protein.

NM_000878.5(IL2RB):c.1081_1082del (p.Asn361fs)

Gene: IL2RB (interleukin 2 receptor subunit beta; minus strand). Cytogenetic location: 22q12.3.
Variant type: Deletion.
Coding change: c.1081_1082del on transcript NM_000878.5 (MANE Select); coding-DNA positions 1081 to 1082, 2 bases deleted (AA; older notation c.1081_1082delAA).
Protein change: p.Asn361fs; shifts the reading frame from asparagine 361.
Molecular consequence: frameshift variant.
Genome position (GRCh38, 1-based): chr22:37,128,670-37,128,671, TT deleted on the plus strand (AA on the coding strand, the reverse complement: IL2RB is on the minus strand). VCF-style (leftmost placement, unchanged base first): chr22-37128669-GTT-G. GRCh37 (hg19) VCF-style: chr22-37524709-GTT-G.
Other names: c.1081_1082del, p.Asn361fs (NM_001346222.1, NM_001346223.2); short protein forms N361fs.
Identifiers: ClinVar variation 2124255 (VCV002124255.4), dbSNP rs2517833200, ClinGen allele CA2580099750.